The following is an entry in ClinVar:

NM_001127649.3(PEX26):c.*987T>C

Gene: PEX26 (peroxisomal biogenesis factor 26; plus strand). Cytogenetic location: 22q11.21.
Variant type: single nucleotide variant.
Coding change: c.*987T>C on transcript NM_001127649.3 (MANE Select); 987 bases downstream of the stop codon, T replaced by C.
Molecular consequence: 3 prime UTR variant.
Genome position (GRCh38, 1-based): chr22:18,089,062, T>C. VCF-style: chr22-18089062-T-C. GRCh37 (hg19) VCF-style: chr22-18571828-T-C.
Other names: c.*987T>C (NM_001199319.2, NM_017929.6).
Identifiers: ClinVar variation 340780 (VCV000340780.6), dbSNP rs361807, ClinGen allele CA10653851.
Genomic context (GRCh38, chr22:18,089,062, plus strand): 5'-AGTGATCTTGCCTGGTGCCTCTTGGTCTTCAGCTCAATTTTCCAGGTTGTCCTGGCCAAG[T>C]CTTGCTCTGTTACGCTCAGTGCCTCTGCCCACTCTTTCCCCGCCAGCCCTTCCCTCCCGC-3'

ClinVar aggregate classification (germline): Benign. Review status: criteria provided, multiple submitters, no conflicts (2 of 4 stars). 2 submissions from 2 submitters: Benign (2). Last evaluated 2018-01-13.

Conditions:
Peroxisome biogenesis disorder 7A (Zellweger). Also called: Peroxisome biogenesis disorder 7A. Identifiers: Orphanet 912, MedGen C3888385, MONDO:0013938, OMIM 614872.

Allele frequency attached by ClinVar (database versions not stated): TOPMed 0.86738; 1000 Genomes Project 30x 0.87055; 1000 Genomes Project 0.87340; gnomAD 0.88380 and 0.88525; gnomAD exomes 0.93784.
gnomAD v4.1: 135,180 of 152,652 alleles (89%); highest among the groups gnomAD compares: East Asian, 93%; 60,031 homozygotes.

Submissions (2):

Illumina Laboratory Services, Illumina
Classification: Benign for Peroxisome biogenesis disorder 7A (Zellweger). Last evaluated: 2018-01-13. Review status: criteria provided, single submitter. Criteria: ICSL Variant Classification Criteria 13 December 2019. Collection method: clinical testing. Allele origin: germline.
Comment: This variant was observed in the ICSL laboratory as part of a predisposition screen in an ostensibly healthy population. It had not been previously curated by ICSL or reported in the Human Gene Mutation Database (HGMD: prior to June 1st, 2018), and was therefore a candidate for classification through an automated scoring system. Utilizing variant allele frequency, disease prevalence and penetrance estimates, and inheritance mode, an automated score was calculated to assess if this variant is too frequent to cause the disease. Based on the score and internal cut-off values, a variant classified as benign is not then subjected to further curation. The score for this variant resulted in a classification of benign for this disease.

Breakthrough Genomics
Classification: Benign. Review status: criteria provided, single submitter. Criteria: ACMG Guidelines, 2015. Collection method: not provided. Allele origin: germline. Inheritance: Autosomal recessive inheritance. Affected: yes.